The following is an entry in ClinVar:

ClinVar aggregate classification (germline): Uncertain significance. Review status: criteria provided, multiple submitters, no conflicts (2 of 4 stars). 2 submissions from 2 submitters: Uncertain significance (2). Last evaluated 2025-11-26.

Conditions:
Inborn genetic diseases. Identifiers: MedGen C0950123, MeSH D030342.

Allele frequency attached by ClinVar (database versions not stated): gnomAD 0.00002.
gnomAD v4.1: 22 of 1,612,510 alleles (0.0014%); highest among the groups gnomAD compares: Non-Finnish European, 0.0018%; no homozygotes.

Submissions (2):

Ambry Genetics
Classification: Uncertain significance for Inborn genetic diseases. Last evaluated: 2025-11-26. Review status: criteria provided, single submitter. Criteria: Ambry Variant Classification Scheme 2023. Collection method: clinical testing. Allele origin: germline.

Women's Health and Genetics/Laboratory Corporation of America, LabCorp
Classification: Uncertain significance. Last evaluated: 2025-04-08. Review status: criteria provided, single submitter. Criteria: LabCorp Variant Classification Summary - May 2015. Collection method: clinical testing. Allele origin: germline.
Comment: Variant summary: MLC1 c.710T>A (p.Val237Glu) results in a non-conservative amino acid change in the encoded protein sequence. Four of four in-silico tools predict a damaging effect of the variant on protein function. The variant allele was found at a frequency of 4.1e-05 in 246854 control chromosomes (gnomAD). This frequency is not significantly higher than estimated for a pathogenic variant in MLC1 causing Megalencephalic Leukoencephalopathy with Subcortical Cysts 1 (4.1e-05 vs 0.0011), allowing no conclusion about variant significance. c.710T>A has been reported in the literature in at least an individual affected with MLC1-related conditions (Passchier_2024). This report, however, does not provide unequivocal conclusions about association of the variant with Megalencephalic Leukoencephalopathy with Subcortical Cysts 1. To our knowledge, no experimental evidence demonstrating an impact on protein function has been reported. The following publication has been ascertained in the context of this evaluation (PMID: 38487253). ClinVar contains an entry for this variant (Variation ID: 3196935). Based on the evidence outlined above, the variant was classified as uncertain significance.

Literature cited by the submitters: PubMed 38487253 (cited by Women's Health and Genetics/Laboratory Corporation of America, LabCorp).

NM_015166.4(MLC1):c.710T>A (p.Val237Glu)

Gene: MLC1 (modulator of VRAC current 1; minus strand). Cytogenetic location: 22q13.33.
Variant type: single nucleotide variant.
Coding change: c.710T>A on transcript NM_015166.4 (MANE Select); coding-DNA position 710, T replaced by A.
Protein change: p.Val237Glu; replaces valine 237 with glutamic acid.
Molecular consequence: missense variant. On other transcripts: non-coding transcript variant (3).
Genome position (GRCh38, 1-based): chr22:50,074,220, A>T on the plus strand (T>A on the coding strand, the complement: MLC1 is on the minus strand). VCF-style: chr22-50074220-A-T. GRCh37 (hg19) VCF-style: chr22-50512649-A-T.
Other names: c.710T>A, p.Val237Glu (NM_001376472.1, NM_001376473.1, NM_001376474.1 and 6 more transcripts); c.620T>A, p.Val207Glu (NM_001376480.1); c.608T>A, p.Val203Glu (NM_001376481.1); c.554T>A, p.Val185Glu (NM_001376482.1, NM_001376483.1); c.473T>A, p.Val158Glu (NM_001376484.1); short protein forms V158E, V185E, V203E, V207E, V237E.
Identifiers: ClinVar variation 3196935 (VCV003196935.4), dbSNP rs765967624, ClinGen allele CA10303413.